The following is an entry in ClinVar:

NM_000195.5(HPS1):c.9C>A (p.Cys3Ter)

Gene: HPS1 (HPS1 biogenesis of lysosomal organelles complex 3 subunit 1; minus strand). Cytogenetic location: 10q24.2.
Variant type: single nucleotide variant.
Coding change: c.9C>A on transcript NM_000195.5 (MANE Select); coding-DNA position 9, C replaced by A.
Protein change: p.Cys3Ter; replaces cysteine 3 with a stop codon.
Molecular consequence: nonsense. On other transcripts: 5 prime UTR variant (6).
Genome position (GRCh38, 1-based): chr10:98,443,232, G>T on the plus strand (C>A on the coding strand, the complement: HPS1 is on the minus strand). VCF-style: chr10-98443232-G-T. GRCh37 (hg19) VCF-style: chr10-100202989-G-T.
Other names: c.-1007C>A (NM_001322487.2); c.-765C>A (NM_001322489.2); c.9C>A, p.Cys3Ter (NM_001322490.2, NM_001322491.2, NM_001322492.2 and 8 more transcripts); c.-908C>A (NM_001311345.2); c.-218C>A (NM_001322483.2, NM_001322484.2, NM_001322485.2); short protein forms C3*.
Identifiers: ClinVar variation 1324541 (VCV001324541.12), dbSNP rs750909242, ClinGen allele CA378057268.

ClinVar aggregate classification (germline): Pathogenic/Likely pathogenic. Review status: criteria provided, multiple submitters, no conflicts (2 of 4 stars). 4 submissions from 4 submitters: Pathogenic (3); Likely pathogenic (1). Last evaluated 2023-11-03.

Conditions:
Hermansky-Pudlak syndrome 1 (HPS1). Also called: DELTA STORAGE POOL DISEASE. Identifiers: Orphanet 231500, Orphanet 79430, MedGen C2931875, MONDO:0008748, OMIM 203300.

Submissions (4):

Baylor Genetics
Classification: Pathogenic for Hermansky-Pudlak syndrome 1. Last evaluated: 2023-11-03. Review status: criteria provided, single submitter. Criteria: ACMG Guidelines, 2015. Collection method: clinical testing. Allele origin: unknown.

Labcorp Genetics (formerly Invitae), Labcorp
Classification: Pathogenic. Last evaluated: 2023-02-08. Review status: criteria provided, single submitter. Criteria: Invitae Variant Classification Sherloc (09022015). Collection method: clinical testing. Allele origin: germline.
Comment: This sequence change creates a premature translational stop signal (p.Cys3*) in the HPS1 gene. It is expected to result in an absent or disrupted protein product. Loss-of-function variants in HPS1 are known to be pathogenic (PMID: 12442288, 16185271). For these reasons, this variant has been classified as Pathogenic. ClinVar contains an entry for this variant (Variation ID: 1324541). This variant has not been reported in the literature in individuals affected with HPS1-related conditions. This variant is not present in population databases (gnomAD no frequency).

Revvity Omics, Revvity
Classification: Likely pathogenic for Hermansky-Pudlak syndrome 1. Last evaluated: 2021-03-01. Review status: criteria provided, single submitter. Criteria: ACMG Guidelines, 2015. Collection method: clinical testing. Allele origin: germline.

Genetic Services Laboratory, University of Chicago
Classification: Pathogenic. Last evaluated: 2019-12-03. Review status: criteria provided, single submitter. Criteria: ACMG Guidelines, 2015. Collection method: clinical testing. Allele origin: germline. Affected: yes.
Comment: The c.9C>A sequence change results in the creation of a premature stop codon at amino acid position 3, p.Cys3*. This sequence change is predicted to result in an abnormal transcript, which may be degraded, or may lead to the production of a truncated HPS1 protein with potentially abnormal function. This pathogenic sequence change has not been described in patients with HPS1-related disorders. It has not been observed in the population databases (ExAC and gnomAD). These collective evidences indicate that this sequence change is likely pathogenic.

Literature cited by the submitters: PubMed 12442288 (cited by Labcorp Genetics (formerly Invitae), Labcorp); PubMed 16185271 (cited by Labcorp Genetics (formerly Invitae), Labcorp).